The following is an entry in ClinVar:

NM_002693.3(POLG):c.3064C>T (p.Leu1022=)

Gene: POLG (DNA polymerase gamma, catalytic subunit; minus strand). Cytogenetic location: 15q26.1.
Variant type: single nucleotide variant.
Coding change: c.3064C>T on transcript NM_002693.3 (MANE Select); coding-DNA position 3064, C replaced by T.
Protein change: p.Leu1022=; no amino-acid change (leucine 1022 retained).
Molecular consequence: synonymous variant.
Genome position (GRCh38, 1-based): chr15:89,319,268, G>A on the plus strand (C>T on the coding strand, the complement: POLG is on the minus strand). VCF-style: chr15-89319268-G-A. GRCh37 (hg19) VCF-style: chr15-89862499-G-A.
Other names: c.3064C>T, p.Leu1022= (NM_001126131.2).
Identifiers: ClinVar variation 3608486 (VCV003608486.2).

ClinVar aggregate classification (germline): Uncertain significance (1 of 4 stars; one submission).

Conditions:
Progressive sclerosing poliodystrophy (MTDPS4A). Also called: ALPERS PROGRESSIVE INFANTILE POLIODYSTROPHY; NEURONAL DEGENERATION OF CHILDHOOD WITH LIVER DISEASE, PROGRESSIVE; Alpers Syndrome; ALPERS DIFFUSE DEGENERATION OF CEREBRAL GRAY MATTER WITH HEPATIC CIRRHOSIS; Alpers-Huttenlocher Syndrome; Mitochondrial DNA depletion syndrome 4A (Alpers type). Identifiers: Orphanet 726, MedGen C0205710, MONDO:0008758, OMIM 203700.

Submission:

Labcorp Genetics (formerly Invitae), Labcorp
Classification: Uncertain significance for Progressive sclerosing poliodystrophy. Last evaluated: 2024-02-18. Review status: criteria provided, single submitter. Criteria: Invitae Variant Classification Sherloc (09022015). Collection method: clinical testing. Allele origin: germline.
Comment: This sequence change affects codon 1022 of the POLG mRNA. It is a 'silent' change, meaning that it does not change the encoded amino acid sequence of the POLG protein. This variant is not present in population databases (gnomAD no frequency). This variant has not been reported in the literature in individuals affected with POLG-related conditions. Algorithms developed to predict the effect of sequence changes on RNA splicing suggest that this variant may create or strengthen a splice site. In summary, the available evidence is currently insufficient to determine the role of this variant in disease. Therefore, it has been classified as a Variant of Uncertain Significance.